The following is an entry in ClinVar:

ClinVar aggregate classification (germline): Uncertain significance (1 of 4 stars; one submission).

Conditions:
Autosomal recessive limb-girdle muscular dystrophy type 2L (LGMDR12). Also called: Limb-Girdle Muscular Dystrophy R12 Anoctamin-5-Related (LGMD-R12); MUSCULAR DYSTROPHY, LIMB-GIRDLE, AUTOSOMAL RECESSIVE 12; Limb-girdle muscular dystrophy, type 2L. Identifiers: Orphanet 206549, MedGen C1969785, MONDO:0012652, OMIM 611307.
Gnathodiaphyseal dysplasia (GDD). Also called: GNATHODIAPHYSEAL SCLEROSIS; OSTEOGENESIS IMPERFECTA WITH UNUSUAL SKELETAL LESIONS. Identifiers: Orphanet 53697, MedGen C1833736, MONDO:0008151, OMIM 166260.

Allele frequency attached by ClinVar (database versions not stated): TOPMed below 0.00001; gnomAD 0.00001; gnomAD exomes 0.00001.
gnomAD v4.1: 8 of 1,613,700 alleles (0.0005%); highest among the groups gnomAD compares: Non-Finnish European, 0.00068%; no homozygotes.

Submission:

Labcorp Genetics (formerly Invitae), Labcorp
Classification: Uncertain significance for Autosomal recessive limb-girdle muscular dystrophy type 2L; Gnathodiaphyseal dysplasia. Last evaluated: 2022-12-23. Review status: criteria provided, single submitter. Criteria: Invitae Variant Classification Sherloc (09022015). Collection method: clinical testing. Allele origin: germline.
Comment: This sequence change replaces alanine, which is neutral and non-polar, with threonine, which is neutral and polar, at codon 576 of the ANO5 protein (p.Ala576Thr). This variant is not present in population databases (gnomAD no frequency). This variant has not been reported in the literature in individuals affected with ANO5-related conditions. Advanced modeling of protein sequence and biophysical properties (such as structural, functional, and spatial information, amino acid conservation, physicochemical variation, residue mobility, and thermodynamic stability) performed at Invitae indicates that this missense variant is expected to disrupt ANO5 protein function. In summary, the available evidence is currently insufficient to determine the role of this variant in disease. Therefore, it has been classified as a Variant of Uncertain Significance.

NM_213599.3(ANO5):c.1726G>A (p.Ala576Thr)

Gene: ANO5 (anoctamin 5; plus strand). Cytogenetic location: 11p14.3.
Variant type: single nucleotide variant.
Coding change: c.1726G>A on transcript NM_213599.3 (MANE Select); coding-DNA position 1726, G replaced by A.
Protein change: p.Ala576Thr; replaces alanine 576 with threonine.
Molecular consequence: missense variant.
Genome position (GRCh38, 1-based): chr11:22,262,224, G>A. VCF-style: chr11-22262224-G-A. GRCh37 (hg19) VCF-style: chr11-22283770-G-A.
Other names: c.1723G>A, p.Ala575Thr (NM_001142649.2); c.1684G>A, p.Ala562Thr (NM_001410963.1); c.1681G>A, p.Ala561Thr (NM_001410964.1); short protein forms A561T, A562T, A576T, A575T.
Identifiers: ClinVar variation 2924143 (VCV002924143.3), dbSNP rs1018504220, ClinGen allele CA218768033.